The following is an entry in ClinVar:

ClinVar aggregate classification (germline): Uncertain significance. Review status: criteria provided, multiple submitters, no conflicts (2 of 4 stars). 2 submissions from 2 submitters: Uncertain significance (2). Last evaluated 2025-10-22.

Conditions:
Inborn genetic diseases. Identifiers: MedGen C0950123, MeSH D030342.
Charcot-Marie-Tooth disease axonal type 2F (CMT2F). Also called: CHARCOT-MARIE-TOOTH DISEASE, NEURONAL, TYPE 2F; Charcot-Marie-Tooth Neuropathy Type 2F. Identifiers: Orphanet 99940, MedGen C1847823, MONDO:0011687, OMIM 606595.

gnomAD v4.1: 6 of 1,611,574 alleles (0.00037%); highest among the groups gnomAD compares: Non-Finnish European, 0.00051%; no homozygotes.

Submissions (2):

Ambry Genetics
Classification: Uncertain significance for Inborn genetic diseases. Last evaluated: 2025-10-22. Review status: criteria provided, single submitter. Criteria: Ambry Variant Classification Scheme 2023. Collection method: clinical testing. Allele origin: germline.

Labcorp Genetics (formerly Invitae), Labcorp
Classification: Uncertain significance for Charcot-Marie-Tooth disease axonal type 2F. Last evaluated: 2023-08-17. Review status: criteria provided, single submitter. Criteria: Invitae Variant Classification Sherloc (09022015). Collection method: clinical testing. Allele origin: germline.
Comment: Advanced modeling of protein sequence and biophysical properties (such as structural, functional, and spatial information, amino acid conservation, physicochemical variation, residue mobility, and thermodynamic stability) performed at Invitae indicates that this missense variant is expected to disrupt HSPB1 protein function. ClinVar contains an entry for this variant (Variation ID: 1954022). This variant has not been reported in the literature in individuals affected with HSPB1-related conditions. This variant is present in population databases (no rsID available, gnomAD 0.0009%). In summary, the available evidence is currently insufficient to determine the role of this variant in disease. Therefore, it has been classified as a Variant of Uncertain Significance. This sequence change replaces aspartic acid, which is acidic and polar, with valine, which is neutral and non-polar, at codon 200 of the HSPB1 protein (p.Asp200Val).

NM_001540.5(HSPB1):c.599A>T (p.Asp200Val)

Gene: HSPB1 (heat shock protein family B (small) member 1; plus strand). Cytogenetic location: 7q11.23.
Variant type: single nucleotide variant.
Coding change: c.599A>T on transcript NM_001540.5 (MANE Select); coding-DNA position 599, A replaced by T.
Protein change: p.Asp200Val; replaces aspartic acid 200 with valine.
Molecular consequence: missense variant.
Genome position (GRCh38, 1-based): chr7:76,304,154, A>T. VCF-style: chr7-76304154-A-T. GRCh37 (hg19) VCF-style: chr7-75933471-A-T.
Other names: short protein forms D200V.
Identifiers: ClinVar variation 1954022 (VCV001954022.6), dbSNP rs907716956, ClinGen allele CA160902026.
Genomic context (GRCh38, chr7:76,304,154, plus strand): 5'-CCATCCCAGTCACCTTCGAGTCGCGGGCCCAGCTTGGGGGCCCAGAAGCTGCAAAATCCG[A>T]TGAGACTGCCGCCAAGTAAAGCCTTAGCCCGGATGCCCACCCCTGCTGCCGCCACTGGCT-3'
Protein context (NP_001531.1, residues 190-205): QLGGPEAAKS[Asp200Val]ETAAK